The following is an entry in ClinVar:

NC_000009.11:g.(?_271607)_(304724_?)dup

Gene: DOCK8 (dedicator of cytokinesis 8; plus strand). Cytogenetic location: 9p24.3.
Variant type: Duplication.
Identifiers: ClinVar variation 1349601 (VCV001349601.9).

ClinVar aggregate classification (germline): Likely pathogenic (1 of 4 stars; one submission).

Conditions:
Hyper-IgE recurrent infection syndrome 3, autosomal recessive. Also called: Autosomal recessive hyper-IgE syndrome due to ZNF341 deficiency; HYPER-IgE SYNDROME 3, AUTOSOMAL RECESSIVE, WITH RECURRENT INFECTIONS. Identifiers: Orphanet 641368, MedGen C4748969, MONDO:0032654, OMIM 618282.

Submission:

Labcorp Genetics (formerly Invitae), Labcorp
Classification: Likely pathogenic for Combined immunodeficiency due to DOCK8 deficiency. Last evaluated: 2023-10-05. Review status: criteria provided, single submitter. Criteria: Invitae Variant Classification Sherloc (09022015). Collection method: clinical testing. Allele origin: germline.
Comment: This variant results in a copy number gain of the genomic region encompassing exon(s) 2-5 of the DOCK8 gene. While the exact position of this variant cannot be determined from the data, sub-genic copy number gains are generally in tandem (PMID: 25640679). This variant is predicted to be out-of-frame, and may result in an absent or disrupted protein product. Loss-of-function variants in DOCK8 are known to be pathogenic (PMID: 14722525, 19776401). This variant has not been reported in the literature in individuals affected with DOCK8-related conditions. In summary, the currently available evidence indicates that the variant is pathogenic, but additional data are needed to prove that conclusively. Therefore, this variant has been classified as Likely Pathogenic.

Literature cited by the submitters: PubMed 25640679; PubMed 14722525; PubMed 19776401.